The following is an entry in ClinVar:

NM_000520.6(HEXA):c.619_620dup (p.Asp207fs)

Gene: HEXA (hexosaminidase subunit alpha; minus strand). Cytogenetic location: 15q23.
Variant type: Duplication.
Coding change: c.619_620dup on transcript NM_000520.6 (MANE Select); coding-DNA positions 619 to 620, 2 bases duplicated (GA; older notation c.619_620dupGA).
Protein change: p.Asp207fs; shifts the reading frame from aspartic acid 207.
Molecular consequence: frameshift variant. On other transcripts: non-coding transcript variant (1).
Genome position (GRCh38, 1-based): chr15:72,351,185-72,351,186, TC duplicated on the plus strand (GA on the coding strand, the reverse complement: HEXA is on the minus strand); duplicating any 2 consecutive bases within chr15:72,351,185-72,351,187 gives the same sequence; the c. name uses the placement nearest the transcript's 3' end. VCF-style (leftmost placement, unchanged base first): chr15-72351184-A-ATC. GRCh37 (hg19) VCF-style: chr15-72643525-A-ATC.
Other names: c.652_653dup, p.Asp218fs (NM_001318825.2); short protein forms D207fs, D218fs.
Identifiers: ClinVar variation 5016013 (VCV005016013.1).
Genomic context (GRCh38, chr15:72,351,184, plus strand): 5'-GGAACATACCTTTCTCATGAGCTCTGGAAAAGTGAAGCTCTCATATGGGAAGGAAGGATC[A>ATC]TCTACCAGATGCCAGTGGAACACGTTCAATTTATTGTACGCCATGACATCCTGTAGGTTA-3'

ClinVar aggregate classification (germline): Pathogenic (1 of 4 stars; one submission).

Conditions:
Tay-Sachs disease (TSD). Also called: HEXA DEFICIENCY; GM2 gangliosidosis, type 1; Hexosaminidase alpha-subunit deficiency (variant B); Sphingolipidosis, Tay-Sachs; Hexosaminidase A Deficiency; HEXA Disorders. Identifiers: Orphanet 845, MedGen C0039373, MONDO:0010100, OMIM 272800.

Submission:

Myriad Genetics, Inc.
Classification: Pathogenic for Tay-Sachs disease. Last evaluated: 2026-06-09. Review status: criteria provided, single submitter. Criteria: Myriad Autosomal Dominant, Autosomal Recessive and X-Linked Classification Criteria (2023). Collection method: clinical testing. Allele origin: unknown.
Comment: NM_000520.4(HEXA):c.619_620dupGA(D207Efs*17) is expected to be pathogenic in the context of hexosaminidase A deficiency. This variant is predicted to lead to an abnormal or absent protein product due to the creation of a premature termination codon in HEXA, a gene where loss-of-function variants are known to be pathogenic. Please note: this variant was assessed in the context of healthy population screening.